The following is an entry in ClinVar:

NM_001024843.2(TNRC6B):c.55G>T (p.Glu19Ter)

Gene: TNRC6B (trinucleotide repeat containing adaptor 6B; plus strand). Cytogenetic location: 22q13.1.
Variant type: single nucleotide variant.
Coding change: c.55G>T on transcript NM_001024843.2; coding-DNA position 55, G replaced by T.
Protein change: p.Glu19Ter; replaces glutamic acid 19 with a stop codon.
Molecular consequence: nonsense.
Genome position (GRCh38, 1-based): chr22:40,156,124, G>T. VCF-style: chr22-40156124-G-T. GRCh37 (hg19) VCF-style: chr22-40552128-G-T.
Other names: short protein forms E19*.
Identifiers: ClinVar variation 2574308 (VCV002574308.1), dbSNP rs866332460, ClinGen allele CA324291670.

ClinVar aggregate classification (germline): Uncertain significance (1 of 4 stars; one submission).

Submission:

GeneDx
Classification: Uncertain significance. Last evaluated: 2025-11-24. Review status: criteria provided, single submitter. Criteria: GeneDx Variant Classification Process June 2021. Collection method: clinical testing. Allele origin: germline. Affected: yes.
Comment: Not observed at significant frequency in large population cohorts (gnomAD); Nonsense variant predicted to result in protein truncation or nonsense mediated decay in a gene or region of a gene for which loss of function is not a well-established mechanism of disease; Has not been previously published as pathogenic or benign to our knowledge; Reported using an alternate transcript of the gene